The following is an entry in ClinVar:

NM_001297.5(CNGB1):c.3750G>A (p.Ala1250=)

Gene: CNGB1 (cyclic nucleotide gated channel subunit beta 1; minus strand). Cytogenetic location: 16q21.
Variant type: single nucleotide variant.
Coding change: c.3750G>A on transcript NM_001297.5 (MANE Select); coding-DNA position 3750, G replaced by A.
Protein change: p.Ala1250=; no amino-acid change (alanine 1250 retained).
Molecular consequence: synonymous variant.
Genome position (GRCh38, 1-based): chr16:57,884,170, C>T on the plus strand (G>A on the coding strand, the complement: CNGB1 is on the minus strand). VCF-style: chr16-57884170-C-T. GRCh37 (hg19) VCF-style: chr16-57918074-C-T.
Other names: c.3732G>A, p.Ala1244= (NM_001286130.2); c.3750G>A (NM_001297.4).
Identifiers: ClinVar variation 1096413 (VCV001096413.11), dbSNP rs553830954, ClinGen allele CA8082461.

ClinVar aggregate classification (germline): Likely benign. Review status: criteria provided, multiple submitters, no conflicts (2 of 4 stars). 3 submissions from 3 submitters: Likely benign (3). Last evaluated 2025-12-30.

Conditions:
CNGB1-related disorder. Also called: CNGB1-related condition.

Allele frequency attached by ClinVar (database versions not stated): gnomAD 0.00001; gnomAD exomes 0.00014; 1000 Genomes Project 30x 0.00016; ExAC 0.00018; 1000 Genomes Project 0.00020.
gnomAD v4.1: 84 of 1,614,056 alleles (0.0052%); highest among the groups gnomAD compares: South Asian, 0.081%; no homozygotes.

Submissions (3):

Labcorp Genetics (formerly Invitae), Labcorp
Classification: Likely benign. Last evaluated: 2025-12-30. Review status: criteria provided, single submitter. Criteria: Invitae Variant Classification Sherloc (09022015). Collection method: clinical testing. Allele origin: germline.

PreventionGenetics, part of Exact Sciences
Classification: Likely benign for CNGB1-related condition. Last evaluated: 2024-12-26. Review status: criteria provided, single submitter. Criteria: ACMG Guidelines, 2015. Collection method: clinical testing. Allele origin: germline.
Comment: This variant is classified as likely benign based on ACMG/AMP sequence variant interpretation guidelines (Richards et al. 2015 PMID: 25741868, with internal and published modifications).

Blueprint Genetics
Classification: Likely benign. Last evaluated: 2019-10-30. Review status: criteria provided, single submitter. Criteria: ACMG Guidelines, 2015. Collection method: clinical testing. Allele origin: germline.